The following is an entry in ClinVar:

NM_001128178.3(NPHP1):c.859+5T>C

Gene: NPHP1 (nephrocystin 1; minus strand). Cytogenetic location: 2q13.
Variant type: single nucleotide variant.
Coding change: c.859+5T>C on transcript NM_001128178.3 (MANE Select); 5 bases into the intron after coding-DNA position 859, T replaced by C.
Molecular consequence: intron variant.
Genome position (GRCh38, 1-based): chr2:110,163,043, A>G on the plus strand (T>C on the coding strand, the complement: NPHP1 is on the minus strand). VCF-style: chr2-110163043-A-G. GRCh37 (hg19) VCF-style: chr2-110920620-A-G.
Other names: c.670+5T>C (NM_001128179.3); c.856+5T>C (NM_001374256.1); c.859+5T>C (NM_001374257.1); c.1024+5T>C (NM_207181.4); c.1027+5T>C (NM_000272.5, NM_000272.3).
Identifiers: ClinVar variation 502699 (VCV000502699.16), dbSNP rs374379957, ClinGen allele CA1827209.

ClinVar aggregate classification (germline): Benign/Likely benign. Review status: criteria provided, multiple submitters, no conflicts (2 of 4 stars). 4 submissions from 4 submitters: Benign (2); Likely benign (1). 1 of the submissions does not count toward it. Last evaluated 2026-01-28.

Conditions:
NPHP1-related disorder. Also called: NPHP1-related condition; NPHP1-related disorders.
Nephronophthisis. Also called: Juvenile Nephronophthisis. Identifiers: Orphanet 655, MedGen C0687120, MONDO:0019005, HP:0000090.

Allele frequency attached by ClinVar (database versions not stated): gnomAD 0.00001 and 0.00021; TOPMed 0.00006; gnomAD exomes 0.00044 and 0.00106; ExAC 0.00113; 1000 Genomes Project 30x 0.00156; 1000 Genomes Project 0.00200.

Submissions (4):

Labcorp Genetics (formerly Invitae), Labcorp
Classification: Benign for Nephronophthisis. Last evaluated: 2026-01-28. Review status: criteria provided, single submitter. Criteria: Invitae Variant Classification Sherloc (09022015). Collection method: clinical testing. Allele origin: germline.

Blueprint Genetics
Classification: Likely benign. Last evaluated: 2024-11-04. Review status: criteria provided, single submitter. Criteria: ACMG Guidelines, 2015. Collection method: clinical testing. Allele origin: germline.

Eurofins Ntd Llc (ga)
Classification: Benign. Last evaluated: 2017-06-22. Review status: criteria provided, single submitter. Criteria: EGL Classification Definitions 2015. Collection method: clinical testing. Allele origin: germline. Observed: 1 variant allele, 1 heterozygote.

PreventionGenetics, part of Exact Sciences
Classification: Benign for NPHP1-related condition. Last evaluated: 2019-10-31. Review status: no assertion criteria provided. Collection method: clinical testing. Allele origin: germline. Not counted in ClinVar's aggregate classification.
Comment: This variant is classified as benign based on ACMG/AMP sequence variant interpretation guidelines (Richards et al. 2015 PMID: 25741868, with internal and published modifications).